The following is an entry in ClinVar:

ClinVar aggregate classification (germline): Pathogenic. Review status: reviewed by expert panel (3 of 4 stars). 20 submissions from 19 submitters: Pathogenic (1). 19 of the submissions do not count toward it. Last evaluated 2016-09-08.

Conditions:
Familial cancer of breast. Also called: BREAST CANCER, FAMILIAL; Hereditary breast cancer; hereditary breast carcinoma. Identifiers: Orphanet 227535, MedGen C0346153, MONDO:0016419, OMIM 114480. Disease mechanism: loss of function.
Hereditary breast ovarian cancer syndrome. Also called: Hereditary breast and ovarian cancer syndrome; Hereditary breast and ovarian cancer syndrome (HBOC); BRCA1- and BRCA2-Associated Hereditary Breast and Ovarian Cancer; Breast and ovarian cancer; Hereditary breast and ovarian cancer; Hereditary breast and/or ovarian cancer syndrome. Identifiers: Orphanet 145, MedGen C0677776, MeSH D061325, MONDO:0003582. Disease mechanism: loss of function.
Pancreatic cancer, susceptibility to, 4. Identifiers: Orphanet 1333, MedGen C3280442, MONDO:0013685, OMIM 614320.
Fanconi anemia, complementation group S (FANCS). Identifiers: MedGen C4554406, MONDO:0054748, OMIM 617883.
Breast-ovarian cancer, familial, susceptibility to, 1 (BROVCA1). Also called: OVARIAN CANCER, SUSCEPTIBILITY TO; BRCA1 Hereditary Breast and Ovarian Cancer. Identifiers: Orphanet 145, MedGen C2676676, MONDO:0011450, OMIM 604370. Disease mechanism: loss of function.
Hereditary cancer-predisposing syndrome. Also called: Hereditary Cancer Syndrome; Hereditary neoplastic syndrome; Tumor predisposition; Neoplastic Syndromes, Hereditary. Identifiers: Orphanet 140162, MedGen C0027672, MeSH D009386, MONDO:0015356.
BRCA1-related cancer predisposition. Identifiers: MedGen CN377757, MONDO:0700268.

Submissions 1 to 11 of 20:

Evidence-based Network for the Interpretation of Germline Mutant Alleles (ENIGMA)
Classification: Pathogenic for Breast-ovarian cancer, familial, susceptibility to, 1. Last evaluated: 2016-09-08. Review status: reviewed by expert panel. Criteria: ENIGMA BRCA1/2 Classification Criteria (2015). Collection method: curation. Allele origin: germline.
Comment: Variant allele predicted to encode a truncated non-functional protein.

Labcorp Genetics (formerly Invitae), Labcorp
Classification: Pathogenic for Hereditary breast ovarian cancer syndrome. Last evaluated: 2025-09-30. Review status: criteria provided, single submitter. Criteria: Invitae Variant Classification Sherloc (09022015). Collection method: clinical testing. Allele origin: germline. Not counted in ClinVar's aggregate classification.
Comment: This sequence change creates a premature translational stop signal (p.Lys739*) in the BRCA1 gene. It is expected to result in an absent or disrupted protein product. Loss-of-function variants in BRCA1 are known to be pathogenic (PMID: 20104584). This variant is not present in population databases (gnomAD no frequency). This premature translational stop signal has been observed in individual(s) with breast and/or ovarian cancer (PMID: 26911350, 27914478). ClinVar contains an entry for this variant (Variation ID: 186881). For these reasons, this variant has been classified as Pathogenic.

Department of Clinical Genetics, Copenhagen University Hospital, Rigshospitalet
Classification: Pathogenic for Familial cancer of breast. Last evaluated: 2025-07-01. Review status: criteria provided, single submitter. Criteria: ACMG Guidelines, 2015. Collection method: clinical testing. Allele origin: germline. Not counted in ClinVar's aggregate classification.
Comment: The following ACMG criteria has been used: PM2_SUP; PVS1; PM5_Strong_PTC

Ambry Genetics
Classification: Pathogenic for Hereditary cancer-predisposing syndrome. Last evaluated: 2025-06-17. Review status: criteria provided, single submitter. Criteria: Ambry Variant Classification Scheme 2023. Collection method: clinical testing. Allele origin: germline. Not counted in ClinVar's aggregate classification.
Comment: The c.2214dupT pathogenic mutation, located in coding exon 9 of the BRCA1 gene, results from a duplication of T at nucleotide position 2214, causing a translational frameshift with a predicted alternate stop codon (p.K739*). This mutation has been reported in two hereditary breast and/ovarian cancer cohorts (Mannan A et al. J. Hum. Genet. 2016 Jun;61(6):515-22; Singh J et al. Breast Cancer Res. Treat. 2018 Jul;170(1):189-196). This variant is considered to be rare based on population cohorts in the Genome Aggregation Database (gnomAD). This alteration is expected to result in loss of function by premature protein truncation or nonsense-mediated mRNA decay. As such, this alteration is interpreted as a disease-causing mutation.

Center for Genomic Medicine, Rigshospitalet, Copenhagen University Hospital
Classification: Pathogenic. Last evaluated: 2025-03-04. Review status: criteria provided, single submitter. Criteria: ACMG Guidelines, 2015. Collection method: clinical testing. Allele origin: germline. Not counted in ClinVar's aggregate classification.

GeneDx
Classification: Pathogenic. Last evaluated: 2025-02-20. Review status: criteria provided, single submitter. Criteria: GeneDx Variant Classification Process June 2021. Collection method: clinical testing. Allele origin: germline. Affected: yes. Not counted in ClinVar's aggregate classification.
Comment: Not observed at significant frequency in large population cohorts (gnomAD); Nonsense variant predicted to result in protein truncation or nonsense mediated decay in a gene for which loss-of-function is a known mechanism of disease; Truncating variants in this gene are considered pathogenic by a well-established clinical consortium and/or database; Also known as 2333dup and c.2214_2215insT; This variant is associated with the following publications: (PMID: 26911350, 16267036, 27914478, 27848044, 30555256, 29470806, 35698740, 34601666, 20104584, 29446198)

Fulgent Genetics
Classification: Pathogenic for Breast-ovarian cancer, familial, susceptibility to, 1; Pancreatic cancer, susceptibility to, 4; Fanconi anemia, complementation group S. Last evaluated: 2024-06-13. Review status: criteria provided, single submitter. Criteria: ACMG Guidelines, 2015. Collection method: clinical testing. Allele origin: germline. Not counted in ClinVar's aggregate classification.

Quest Diagnostics Nichols Institute San Juan Capistrano
Classification: Pathogenic. Last evaluated: 2024-02-08. Review status: criteria provided, single submitter. Criteria: Quest Diagnostics criteria. Collection method: clinical testing. Allele origin: unknown. Not counted in ClinVar's aggregate classification.
Comment: The BRCA1 c.2214dup (p.Lys739*) variant alters the translational reading frame of the BRCA1 mRNA and causes the premature termination of BRCA1 protein synthesis. This variant has been reported in the published literature in individuals with breast cancer and/or ovarian cancer (PMID: 16267036 (2005), 26911350 (2016), 30555256 (2018), 29470806 (2018)). This variant has not been reported in large, multi-ethnic general populations (Genome Aggregation Database). Based on the available information, this variant is classified as pathogenic.

Baylor Genetics
Classification: Pathogenic for Breast-ovarian cancer, familial, susceptibility to, 1. Last evaluated: 2023-12-01. Review status: criteria provided, single submitter. Criteria: ACMG Guidelines, 2015. Collection method: clinical testing. Allele origin: unknown. Not counted in ClinVar's aggregate classification.

Color Diagnostics, LLC DBA Color Health
Classification: Pathogenic for Hereditary cancer-predisposing syndrome. Last evaluated: 2023-08-17. Review status: criteria provided, single submitter. Criteria: ACMG Guidelines, 2015. Collection method: clinical testing. Allele origin: germline. Not counted in ClinVar's aggregate classification.
Comment: This variant inserts 1 nucleotide in exon 10 of the BRCA1 gene, creating a frameshift and premature translation stop signal. This variant is also known as c.2214_2215insT in the literature. This variant is expected to result in an absent or non-functional protein product. To our knowledge, functional studies have not been reported for this variant. This variant has been detected in at least 5 individuals affected with breast and/or ovarian cancer (PMID: 26911350, 30555256). This variant has not been identified in the general population by the Genome Aggregation Database (gnomAD). Loss of BRCA1 function is a known mechanism of disease. Based on the available evidence, this variant is classified as Pathogenic.

Laboratory for Molecular Medicine, Mass General Brigham Personalized Medicine
Classification: Pathogenic for Hereditary breast ovarian cancer syndrome. Last evaluated: 2021-03-22. Review status: criteria provided, single submitter. Criteria: ACMG Guidelines, 2015. Collection method: clinical testing. Allele origin: germline. Inheritance: Autosomal dominant inheritance. Not counted in ClinVar's aggregate classification.
Comment: The p.Lys739X variant in BRCA1 has been reported in at least 5 individuals with BRCA1-associated cancers (Mannan 2016 PMID: 26911350, Maistro 2016 PMID: 27914478, Mehta 2018 PMID: 30555256, Singh 2018 PMID: 29470806). It was absent from large population studies. This variant is a duplication of one base (c.2214dupT) that results in a nonsense variant and leads to a premature termination codon at position 739, which is predicted to lead to a truncated or absent protein. Loss of function of the BRCA1 gene is an established disease mechanism in autosomal dominant hereditary breast and ovarian cancer (HBOC). Moreover, this variant was classified as pathogenic on September 8th, 2016 by the ClinGen-approved ENIGMA expert panel (Variation ID 186881). In summary, this variant meets criteria to be classified as pathogenic for autosomal dominant HBOC. ACMG/AMP Criteria applied: PVS1, PS4_Supporting, PM2_Supporting.

NM_007294.4(BRCA1):c.2214dup (p.Lys739Ter)

Gene: BRCA1 (BRCA1 DNA repair associated; minus strand). Cytogenetic location: 17q21.31.
Variant type: Duplication.
Coding change: c.2214dup on transcript NM_007294.4 (MANE Select); coding-DNA position 2214, one base duplicated (T; older notation c.2214dupT).
Protein change: p.Lys739Ter; replaces lysine 739 with a stop codon.
Molecular consequence: nonsense. On other transcripts: frameshift variant (1), intron variant (137).
Genome position (GRCh38, 1-based): chr17:43,093,317, A duplicated on the plus strand (T on the coding strand, the reverse complement: BRCA1 is on the minus strand); the first of 2 consecutive A bases (chr17:43,093,317-43,093,318); duplicating either gives the same sequence. VCF-style (leftmost placement, unchanged base first): chr17-43093316-T-TA. GRCh37 (hg19) VCF-style: chr17-41245333-T-TA.
Other names: c.2214dupT (NM_007294.3); c.2004dup, p.Lys669Ter (NM_001407884.1, NM_001407885.1, NM_001407886.1 and 13 more transcripts); c.2001dup, p.Lys668Ter (NM_001407894.1, NM_001407895.1, NM_001407896.1 and 9 more transcripts); c.2091dup, p.Lys698Ter (NM_001407919.1, NM_001407937.1, NM_001407938.1 and 19 more transcripts); c.1950dup, p.Lys651Ter (NM_001407920.1, NM_001407921.1, NM_001407922.1 and 9 more transcripts); c.1947dup, p.Lys650Ter (NM_001407930.1, NM_001407931.1, NM_001407932.1 and 2 more transcripts); c.2088dup, p.Lys697Ter (NM_001407940.1, NM_001407941.1, NM_001407649.1 and 11 more transcripts); c.2073dup, p.Lys692Ter (NM_001407942.1, NM_001407944.1, NM_001407945.1 and 29 more transcripts); and 43 more; short protein forms K739*, K692*, K627*, K650*, K672*, K736*, K571*, K611*.
Identifiers: ClinVar variation 186881 (VCV000186881.47), dbSNP rs80357574, ClinGen allele CA196121.
Genomic context (GRCh38, chr17:43,093,316, plus strand): 5'-GCAAAACCCTTTCTCCACTTAACATGAGATCTTTGGGGTCTTCAGCATTATTAGACACTT[T>TA]AACTGTTTCTAGTTTCTCTTCTTTTTCTTCTCTTGGAAGGCTAGGATTGACAAATTCTTT-3'